The following is an entry in ClinVar:

NM_001267550.2(TTN):c.104905C>A (p.Pro34969Thr)

Genes: TTN (titin; minus strand), TTN-AS1 (TTN antisense RNA 1; plus strand). Cytogenetic location: 2q31.2.
Variant type: single nucleotide variant.
Coding change: c.104905C>A on transcript NM_001267550.2 (MANE Select); coding-DNA position 104905, C replaced by A.
Protein change: p.Pro34969Thr; replaces proline 34969 with threonine.
Molecular consequence: missense variant.
Genome position (GRCh38, 1-based): chr2:178,531,710, G>T on the plus strand (C>A on the coding strand, the complement: TTN is on the minus strand). VCF-style: chr2-178531710-G-T. GRCh37 (hg19) VCF-style: chr2-179396437-G-T.
Other names: c.99982C>A, p.Pro33328Thr (NM_001256850.1); c.77710C>A, p.Pro25904Thr (NM_003319.4); c.97201C>A, p.Pro32401Thr (NM_133378.4); c.78085C>A, p.Pro26029Thr (NM_133432.3); c.78286C>A, p.Pro26096Thr (NM_133437.4); short protein forms P26029T, P26096T, P33328T, P32401T, P25904T, P34969T.
Identifiers: ClinVar variation 1346571 (VCV001346571.6), dbSNP rs1256480602, ClinGen allele CA349409917.

ClinVar aggregate classification (germline): Uncertain significance (1 of 4 stars; one submission).

Conditions:
Dilated cardiomyopathy 1G (CMD1G). Identifiers: Orphanet 154, MedGen C1858763, MONDO:0011400, OMIM 604145.
Autosomal recessive limb-girdle muscular dystrophy type 2J (LGMDR10). Also called: Limb-girdle muscular dystrophy, type 2J; MUSCULAR DYSTROPHY, LIMB-GIRDLE, AUTOSOMAL RECESSIVE 10. Identifiers: Orphanet 140922, MedGen C1837342, MONDO:0012127, OMIM 608807.

Allele frequency attached by ClinVar (database versions not stated): TOPMed below 0.00001; gnomAD 0.00001.
gnomAD v4.1: 1 of 1,613,848 alleles (0.000062%); highest among the groups gnomAD compares: African/African-American, 0.0013%; no homozygotes.

Submission:

Labcorp Genetics (formerly Invitae), Labcorp
Classification: Uncertain significance for Dilated cardiomyopathy 1G; Autosomal recessive limb-girdle muscular dystrophy type 2J. Last evaluated: 2025-06-06. Review status: criteria provided, single submitter. Criteria: Invitae Variant Classification Sherloc (09022015). Collection method: clinical testing. Allele origin: germline.
Comment: This sequence change replaces proline, which is neutral and non-polar, with threonine, which is neutral and polar, at codon 34969 of the TTN protein (p.Pro34969Thr). This variant is not present in population databases (gnomAD no frequency). This variant has not been reported in the literature in individuals affected with TTN-related conditions. ClinVar contains an entry for this variant (Variation ID: 1346571). Experimental studies and prediction algorithms are not available or were not evaluated, and the functional significance of this variant is currently unknown. This variant is located in the M band of TTN (PMID: 25589632). Non-truncating variants in this region may be relevant for neuromuscular disorders, but have not been definitively shown to cause cardiomyopathy (PMID: 23975875). In summary, the available evidence is currently insufficient to determine the role of this variant in disease. Therefore, it has been classified as a Variant of Uncertain Significance.

Literature cited by the submitters: PubMed 25589632; PubMed 23975875.